The following is an entry in ClinVar:

ClinVar aggregate classification (germline): Uncertain significance (1 of 4 stars; one submission).

Submission:

Labcorp Genetics (formerly Invitae), Labcorp
Classification: Uncertain significance. Last evaluated: 2025-03-17. Review status: criteria provided, single submitter. Criteria: Invitae Variant Classification Sherloc (09022015). Collection method: clinical testing. Allele origin: germline.
Comment: This sequence change replaces phenylalanine, which is neutral and non-polar, with leucine, which is neutral and non-polar, at codon 522 of the ACO2 protein (p.Phe522Leu). This variant is not present in population databases (gnomAD no frequency). This variant has not been reported in the literature in individuals affected with ACO2-related conditions. ClinVar contains an entry for this variant (Variation ID: 2804499). Invitae Evidence Modeling of protein sequence and biophysical properties (such as structural, functional, and spatial information, amino acid conservation, physicochemical variation, residue mobility, and thermodynamic stability) indicates that this missense variant is not expected to disrupt ACO2 protein function with a negative predictive value of 80%. In summary, the available evidence is currently insufficient to determine the role of this variant in disease. Therefore, it has been classified as a Variant of Uncertain Significance.

NM_001098.3(ACO2):c.1566C>A (p.Phe522Leu)

Gene: ACO2 (aconitase 2; plus strand). Cytogenetic location: 22q13.2.
Variant type: single nucleotide variant.
Coding change: c.1566C>A on transcript NM_001098.3 (MANE Select); coding-DNA position 1566, C replaced by A.
Protein change: p.Phe522Leu; replaces phenylalanine 522 with leucine.
Molecular consequence: missense variant.
Genome position (GRCh38, 1-based): chr22:41,524,929, C>A. VCF-style: chr22-41524929-C-A. GRCh37 (hg19) VCF-style: chr22-41920933-C-A.
Other names: short protein forms F522L.
Identifiers: ClinVar variation 2804499 (VCV002804499.3), dbSNP rs2518232662, ClinGen allele CA411727443.